The following is an entry in ClinVar:

ClinVar aggregate classification (germline): Uncertain significance (1 of 4 stars; one submission).

gnomAD v4.1: 4 of 1,600,458 alleles (0.00025%); highest among the groups gnomAD compares: East Asian, 0.009%; no homozygotes.

Submission:

Ambry Genetics
Classification: Uncertain significance. Last evaluated: 2024-12-08. Review status: criteria provided, single submitter. Criteria: Ambry Variant Classification Scheme 2023. Collection method: clinical testing. Allele origin: germline.
Comment: The p.S1464L variant (also known as c.4391C>T), located in coding exon 19 of the WNK2 gene, results from a C to T substitution at nucleotide position 4391. The serine at codon 1464 is replaced by leucine, an amino acid with dissimilar properties. This amino acid position is conserved. In addition, this alteration is predicted to be tolerated by in silico analysis. Based on the available evidence, the clinical significance of this variant remains unclear.

NM_006648.4(WNK2):c.4391C>T (p.Ser1464Leu)

Gene: WNK2 (WNK lysine deficient protein kinase 2; plus strand). Cytogenetic location: 9q22.31.
Variant type: single nucleotide variant.
Coding change: c.4391C>T on transcript NM_006648.4 (MANE Select); coding-DNA position 4391, C replaced by T.
Protein change: p.Ser1464Leu; replaces serine 1464 with leucine.
Molecular consequence: missense variant.
Genome position (GRCh38, 1-based): chr9:93,289,145, C>T. VCF-style: chr9-93289145-C-T. GRCh37 (hg19) VCF-style: chr9-96051427-C-T.
Other names: c.4502C>T, p.Ser1501Leu (NM_001282394.3); short protein forms S1464L, S1501L.
Identifiers: ClinVar variation 3470659 (VCV003470659.1).